The following is an entry in ClinVar:

ClinVar aggregate classification (germline): Uncertain significance (1 of 4 stars; one submission).

Conditions:
Hereditary cancer-predisposing syndrome. Also called: Tumor predisposition; Neoplastic Syndromes, Hereditary; Hereditary Cancer Syndrome; Hereditary neoplastic syndrome. Identifiers: Orphanet 140162, MedGen C0027672, MeSH D009386, MONDO:0015356.

gnomAD v4.1: 1 of 1,613,974 alleles (0.000062%); highest among the groups gnomAD compares: Non-Finnish European, 0.000085%; no homozygotes.

Submission:

Ambry Genetics
Classification: Uncertain significance for Hereditary cancer-predisposing syndrome. Last evaluated: 2024-08-01. Review status: criteria provided, single submitter. Criteria: Ambry Variant Classification Scheme 2023. Collection method: clinical testing. Allele origin: germline.
Comment: The p.G87E variant (also known as c.260G>A), located in coding exon 2 of the DICER1 gene, results from a G to A substitution at nucleotide position 260. The glycine at codon 87 is replaced by glutamic acid, an amino acid with similar properties. This amino acid position is highly conserved in available vertebrate species. In addition, this alteration is predicted to be deleterious by in silico analysis. Based on the available evidence, the clinical significance of this variant remains unclear.

NM_177438.3(DICER1):c.260G>A (p.Gly87Glu)

Gene: DICER1 (dicer 1, ribonuclease III; minus strand). Cytogenetic location: 14q32.13.
Variant type: single nucleotide variant.
Coding change: c.260G>A on transcript NM_177438.3 (MANE Select); coding-DNA position 260, G replaced by A.
Protein change: p.Gly87Glu; replaces glycine 87 with glutamic acid.
Molecular consequence: missense variant. On other transcripts: 5 prime UTR variant (9), non-coding transcript variant (6).
Genome position (GRCh38, 1-based): chr14:95,132,562, C>T on the plus strand (G>A on the coding strand, the complement: DICER1 is on the minus strand). VCF-style: chr14-95132562-C-T. GRCh37 (hg19) VCF-style: chr14-95598899-C-T.
Other names: c.260G>A, p.Gly87Glu (NM_001195573.1, NM_001271282.3, NM_001291628.2 and 14 more transcripts); c.-15G>A (NM_001395686.1, NM_001395687.1, NM_001395688.1 and 4 more transcripts); c.-199G>A (NM_001395691.1); c.-1309G>A (NM_001395697.1); short protein forms G87E.
Identifiers: ClinVar variation 3501828 (VCV003501828.1).